The following is an entry in ClinVar:

ClinVar aggregate classification (germline): Uncertain significance (1 of 4 stars; one submission).

Conditions:
Developmental and epileptic encephalopathy 103 (DEE103). Identifiers: MedGen C5677002, MONDO:0030957, OMIM 619913.

Submission:

Victorian Clinical Genetics Services, Murdoch Childrens Research Institute
Classification: Uncertain significance for Developmental and epileptic encephalopathy 103. Last evaluated: 2026-05-26. Review status: criteria provided, single submitter. Criteria: ACMG Guidelines, 2015. Collection method: clinical testing. Allele origin: germline. Affected: yes.
Comment: This variant is classified as VUS-3B. Evidence in support of pathogenic classification: Variant is absent from gnomAD (v2, v3 and v4). Additional information: Variant is predicted to result in a missense amino acid change from Asn to Ser; This variant is heterozygous; This gene is associated with autosomal dominant disease; This variant has no previous evidence of pathogenicity; No published evidence of segregation with disease has been identified for this variant; No published functional evidence has been identified for this variant; No comparable missense variants have previous evidence for pathogenicity; Variant is located in the annotated BTB/POZ domain (DECIPHER) ; Missense variant with inconclusive in silico prediction and/or uninformative conservation; Gain of function and loss of function are known mechanisms of disease in this gene and are associated with developmental and epileptic encephalopathy 103 (MIM#619913). Missense variants have been proven to result in mixed effects on the channel function; with a gain of function based on changes in the channel kinetics and a loss of function based on a decrease in the normalised current amplitude. Dominant negative was also demonstrated for a single, milder variant (PMID: 35314505; 32392612; 37360341; 36087422).

Literature cited by the submitters: PubMed 35314505.

NM_139137.4(KCNC2):c.347A>G (p.Asn116Ser)

Gene: KCNC2 (potassium voltage-gated channel subfamily C member 2; minus strand). Cytogenetic location: 12q21.1.
Variant type: single nucleotide variant.
Coding change: c.347A>G on transcript NM_139137.4 (MANE Select); coding-DNA position 347, A replaced by G.
Protein change: p.Asn116Ser; replaces asparagine 116 with serine.
Molecular consequence: missense variant. On other transcripts: non-coding transcript variant (2).
Genome position (GRCh38, 1-based): chr12:75,207,637, T>C on the plus strand (A>G on the coding strand, the complement: KCNC2 is on the minus strand). VCF-style: chr12-75207637-T-C. GRCh37 (hg19) VCF-style: chr12-75601417-T-C.
Other names: c.347A>G, p.Asn116Ser (NM_001260497.2, NM_001260498.2, NM_001260499.2 and 13 more transcripts); short protein forms N116S.
Identifiers: ClinVar variation 3376848 (VCV003376848.2).